The following is an entry in ClinVar:

ClinVar aggregate classification (germline): Uncertain significance (1 of 4 stars; one submission).

Conditions:
Christianson syndrome (MRXSCH). Also called: SLC9A6-Related Syndromic Mental Retardation; X-linked mental retardation, syndromic, Christianson type; INTELLECTUAL DEVELOPMENTAL DISORDER, X-LINKED, SYNDROMIC, CHRISTIANSON TYPE. Identifiers: Orphanet 85278, MedGen C2678194, MONDO:0010278, OMIM 300243.

Submission:

Labcorp Genetics (formerly Invitae), Labcorp
Classification: Uncertain significance for Christianson syndrome. Last evaluated: 2021-04-27. Review status: criteria provided, single submitter. Criteria: Invitae Variant Classification Sherloc (09022015). Collection method: clinical testing. Allele origin: germline.
Comment: This sequence change replaces glutamic acid with glutamine at codon 60 of the SLC9A6 protein (p.Glu60Gln). The glutamic acid residue is moderately conserved and there is a small physicochemical difference between glutamic acid and glutamine. In summary, the available evidence is currently insufficient to determine the role of this variant in disease. Therefore, it has been classified as a Variant of Uncertain Significance. Algorithms developed to predict the effect of missense changes on protein structure and function are either unavailable or do not agree on the potential impact of this missense change (SIFT: "Tolerated"; PolyPhen-2: "Probably Damaging"; Align-GVGD: "Class C0"). This variant has not been reported in the literature in individuals with SLC9A6-related conditions. This variant is not present in population databases (ExAC no frequency).

NM_001379110.1(SLC9A6):c.22G>C (p.Glu8Gln)

Gene: SLC9A6 (solute carrier family 9 member A6; plus strand). Cytogenetic location: Xq26.3.
Variant type: single nucleotide variant.
Coding change: c.22G>C on transcript NM_001379110.1 (MANE Select); coding-DNA position 22, G replaced by C.
Protein change: p.Glu8Gln; replaces glutamic acid 8 with glutamine.
Molecular consequence: missense variant.
Genome position (GRCh38, 1-based): chrX:135,985,680, G>C. VCF-style: chrX-135985680-G-C. GRCh37 (hg19) VCF-style: chrX-135067839-G-C.
Other names: c.178G>C, p.Glu60Gln (NM_001042537.2, NM_006359.3); c.22G>C, p.Glu8Gln (NM_001177651.2, NM_001330652.2); short protein forms E60Q, E8Q.
Identifiers: ClinVar variation 1431750 (VCV001431750.8), dbSNP rs2148129792, ClinGen allele CA414606679.